The following is an entry in ClinVar:

ClinVar aggregate classification (germline): Uncertain significance. Review status: criteria provided, multiple submitters, no conflicts (2 of 4 stars). 2 submissions from 2 submitters: Uncertain significance (2). Last evaluated 2025-08-08.

Conditions:
PKD1L1-related disorder. Also called: PKD1L1-related condition.
Inborn genetic diseases. Identifiers: MedGen C0950123, MeSH D030342.

Allele frequency attached by ClinVar (database versions not stated): gnomAD exomes 0.00002; ExAC 0.00009; gnomAD 0.00015; TOPMed 0.00022; ESP Exome Variant Server 0.00038.
gnomAD v4.1: 50 of 1,613,424 alleles (0.0031%); highest among the groups gnomAD compares: African/African-American, 0.041%; no homozygotes.

Submissions (2):

PreventionGenetics, part of Exact Sciences
Classification: Uncertain significance for PKD1L1-related condition. Last evaluated: 2025-08-08. Review status: criteria provided, single submitter. Criteria: ACMG Guidelines, 2015. Collection method: clinical testing. Allele origin: germline.
Comment: The PKD1L1 c.5168C>T variant is predicted to result in the amino acid substitution p.Ala1723Val. To our knowledge, this variant has not been reported in the literature. This variant is reported in 0.056% of alleles in individuals of African descent in gnomAD. Although we suspect that this variant may be benign, at this time, the clinical significance of this variant is uncertain due to the absence of conclusive functional and genetic evidence.

Ambry Genetics
Classification: Uncertain significance for Inborn genetic diseases. Last evaluated: 2023-07-25. Review status: criteria provided, single submitter. Criteria: Ambry Variant Classification Scheme 2023. Collection method: clinical testing. Allele origin: germline.

NM_138295.5(PKD1L1):c.5168C>T (p.Ala1723Val)

Gene: PKD1L1 (polycystin 1 like 1, transient receptor potential channel interacting; minus strand). Cytogenetic location: 7p12.3.
Variant type: single nucleotide variant.
Coding change: c.5168C>T on transcript NM_138295.5 (MANE Select); coding-DNA position 5168, C replaced by T.
Protein change: p.Ala1723Val; replaces alanine 1723 with valine.
Molecular consequence: missense variant.
Genome position (GRCh38, 1-based): chr7:47,845,064, G>A on the plus strand (C>T on the coding strand, the complement: PKD1L1 is on the minus strand). VCF-style: chr7-47845064-G-A. GRCh37 (hg19) VCF-style: chr7-47884662-G-A.
Other names: short protein forms A1723V.
Identifiers: ClinVar variation 2588470 (VCV002588470.3), dbSNP rs145295983, ClinGen allele CA4252912.